The following is an entry in ClinVar:

ClinVar aggregate classification (germline): Uncertain significance. Review status: criteria provided, single submitter (1 of 4 stars). 2 submissions from 2 submitters: Uncertain significance (1). 1 of the submissions does not count toward it. Last evaluated 2024-04-09.

Allele frequency attached by ClinVar (database versions not stated): ESP Exome Variant Server 0.00008; TOPMed 0.00008.

Submissions (2):

Ambry Genetics
Classification: Uncertain significance. Last evaluated: 2024-04-09. Review status: criteria provided, single submitter. Criteria: Ambry Variant Classification Scheme 2023. Collection method: clinical testing. Allele origin: germline.

Australian Red Cross Blood Service
Classification: Affects. Last evaluated: 2020-02-10. Review status: no assertion criteria provided. Collection method: research. Allele origin: unknown. Inheritance: Codominant. Affected: yes. Observed: 1 heterozygote. Not counted in ClinVar's aggregate classification.
Comment: some antisera was KEL:2 negative and some was weakly KEL:2 positive.

NM_000420.3(KEL):c.2065G>T (p.Asp689Tyr)

Gene: KEL (Kell metallo-endopeptidase (Kell blood group); minus strand). Cytogenetic location: 7q34.
Variant type: single nucleotide variant.
Coding change: c.2065G>T on transcript NM_000420.3 (MANE Select); coding-DNA position 2065, G replaced by T.
Protein change: p.Asp689Tyr; replaces aspartic acid 689 with tyrosine.
Molecular consequence: missense variant.
Genome position (GRCh38, 1-based): chr7:142,941,386, C>A on the plus strand (G>T on the coding strand, the complement: KEL is on the minus strand). VCF-style: chr7-142941386-C-A. GRCh37 (hg19) VCF-style: chr7-142638473-C-A.
Other names: short protein forms D689Y.
Identifiers: ClinVar variation 870126 (VCV000870126.4), dbSNP rs144613404, ClinGen allele CA4533978.